The following is an entry in ClinVar:

ClinVar aggregate classification (germline): Pathogenic. Review status: criteria provided, multiple submitters, no conflicts (2 of 4 stars). 2 submissions from 2 submitters: Pathogenic (2). Last evaluated 2023-07-01.

Conditions:
AHDC1-related intellectual disability - obstructive sleep apnea - mild dysmorphism syndrome. Also called: Xia-Gibbs syndrome. Identifiers: Orphanet 412069, MedGen C4014419, MONDO:0014358, OMIM 615829.

Submissions (2):

DECIPHERD-UDD, Universidad del Desarrollo
Classification: Pathogenic for AHDC1-related intellectual disability - obstructive sleep apnea - mild dysmorphism syndrome. Last evaluated: 2023-07-01. Review status: criteria provided, single submitter. Criteria: ACMG Guidelines, 2015. Collection method: research. Allele origin: de novo. Affected: yes.

Institute of Human Genetics, FAU Erlangen, Friedrich-Alexander-Universität Erlangen-Nürnberg
Classification: Pathogenic for AHDC1-related intellectual disability - obstructive sleep apnea - mild dysmorphism syndrome. Last evaluated: 2017-08-01. Review status: criteria provided, single submitter. Criteria: ACMG Guidelines, 2015. Collection method: clinical testing. Allele origin: de novo. Inheritance: Sporadic. Affected: yes. Observed: 1 variant allele, 1 heterozygote.

Literature cited by the submitters: PubMed 38177409 (cited by DECIPHERD-UDD, Universidad del Desarrollo).

NM_001371928.1(AHDC1):c.3814C>T (p.Arg1272Ter)

Gene: AHDC1 (AT-hook DNA binding motif containing 1; minus strand). Cytogenetic location: 1p36.11.
Variant type: single nucleotide variant.
Coding change: c.3814C>T on transcript NM_001371928.1 (MANE Select); coding-DNA position 3814, C replaced by T.
Protein change: p.Arg1272Ter; replaces arginine 1272 with a stop codon.
Molecular consequence: nonsense.
Genome position (GRCh38, 1-based): chr1:27,548,302, G>A on the plus strand (C>T on the coding strand, the complement: AHDC1 is on the minus strand). VCF-style: chr1-27548302-G-A. GRCh37 (hg19) VCF-style: chr1-27874813-G-A.
Other names: c.3814C>T, p.Arg1272Ter (NM_001029882.3); short protein forms R1272*.
Identifiers: ClinVar variation 431102 (VCV000431102.4), dbSNP rs1135401761, ClinGen allele CA339225111.